The following is an entry in ClinVar:

ClinVar aggregate classification (germline): Uncertain significance (1 of 4 stars; one submission).

Conditions:
HNF1B-related disorder. Also called: HNF1B-related condition; HNF1B-related disorders.

Submission:

PreventionGenetics, part of Exact Sciences
Classification: Uncertain significance for HNF1B-related condition. Last evaluated: 2023-05-23. Review status: criteria provided, single submitter. Criteria: ACMG Guidelines, 2015. Collection method: clinical testing. Allele origin: germline.
Comment: The HNF1B c.908G>T variant is predicted to result in the amino acid substitution p.Arg303Leu. To our knowledge, this variant has not been reported in the literature or in a large population database, indicating this variant is rare. A different missense variant at this position (c.908G>A, p.Arg303His) has been reported in an individual with focal segmental glomerulosclerosis (Snoek et al 2019. PubMed ID: 31096240). At this time, the clinical significance of this variant is uncertain due to the absence of conclusive functional and genetic evidence.

NM_000458.4(HNF1B):c.908G>T (p.Arg303Leu)

Gene: HNF1B (HNF1 homeobox B; minus strand). Cytogenetic location: 17q12.
Variant type: single nucleotide variant.
Coding change: c.908G>T on transcript NM_000458.4 (MANE Select); coding-DNA position 908, G replaced by T.
Protein change: p.Arg303Leu; replaces arginine 303 with leucine.
Molecular consequence: missense variant.
Genome position (GRCh38, 1-based): chr17:37,731,732, C>A on the plus strand (G>T on the coding strand, the complement: HNF1B is on the minus strand). VCF-style: chr17-37731732-C-A. GRCh37 (hg19) VCF-style: chr17-36091723-C-A.
Other names: c.830G>T, p.Arg277Leu (NM_001165923.4, NM_001304286.2); c.908G>T, p.Arg303Leu (NM_001411100.1); short protein forms R277L, R303L.
Identifiers: ClinVar variation 2632520 (VCV002632520.1), dbSNP rs2033692404, ClinGen allele CA398746767.